The following is an entry in ClinVar:

NM_000540.3(RYR1):c.9397A>C (p.Thr3133Pro)

Gene: RYR1 (ryanodine receptor 1; plus strand). Cytogenetic location: 19q13.2.
Variant type: single nucleotide variant.
Coding change: c.9397A>C on transcript NM_000540.3 (MANE Select); coding-DNA position 9397, A replaced by C.
Protein change: p.Thr3133Pro; replaces threonine 3133 with proline.
Molecular consequence: missense variant.
Genome position (GRCh38, 1-based): chr19:38,512,408, A>C. VCF-style: chr19-38512408-A-C. GRCh37 (hg19) VCF-style: chr19-39003048-A-C.
Other names: c.9397A>C, p.Thr3133Pro (NM_001042723.2); short protein forms T3133P.
Identifiers: ClinVar variation 4686207 (VCV004686207.1).
Genomic context (GRCh38, chr19:38,512,408, plus strand): 5'-GGCAAGGTGTCGCAGGCGCGCACCCAGGTGAAAGGCGTGGGCCAGAACCTCACCTACACC[A>C]CTGTGGCACTGCTGCCGGTCCTCACCACCCTCTTCCAGCACATCGCCCAGCACCAGTTCG-3'
Protein context (NP_000531.2, residues 3123-3143): KGVGQNLTYT[Thr3133Pro]VALLPVLTTL

ClinVar aggregate classification (germline): Uncertain significance (1 of 4 stars; one submission).

gnomAD v4.1: 7 of 1,613,702 alleles (0.00043%); highest among the groups gnomAD compares: Non-Finnish European, 0.00059%; no homozygotes.

Submission:

GeneDx
Classification: Uncertain significance. Last evaluated: 2025-07-13. Review status: criteria provided, single submitter. Criteria: GeneDx Variant Classification Process June 2021. Collection method: clinical testing. Allele origin: germline. Affected: yes.
Comment: Not observed at significant frequency in large population cohorts (gnomAD); In silico analysis supports that this missense variant has a deleterious effect on protein structure/function; Has not been previously published as pathogenic or benign to our knowledge; This variant is associated with the following publications: (PMID: 12668474)